The following is an entry in ClinVar:

NM_001018115.3(FANCD2):c.3242del (p.Pro1081fs)

Genes: FANCD2 (FA complementation group D2; plus strand), FANCD2OS (FANCD2 opposite strand; minus strand). Cytogenetic location: 3p25.3.
Variant type: Deletion.
Coding change: c.3242del on transcript NM_001018115.3 (MANE Select); coding-DNA position 3242, one base deleted (C; older notation c.3242delC).
Protein change: p.Pro1081fs; shifts the reading frame from proline 1081.
Molecular consequence: frameshift variant. On other transcripts: intron variant (1).
Genome position (GRCh38, 1-based): chr3:10,085,829, C deleted; the last of 2 consecutive C bases (chr3:10,085,828-10,085,829); deleting either gives the same sequence. VCF-style (leftmost placement, unchanged base first): chr3-10085827-AC-A. GRCh37 (hg19) VCF-style: chr3-10127511-AC-A.
Other names: c.3242del, p.Pro1081fs (NM_001319984.2, NM_001374254.1, NM_033084.6); c.3131del, p.Pro1044fs (NM_001374253.1); c.*44-4297del (NM_173472.2); short protein forms P1044fs, P1081fs.
Identifiers: ClinVar variation 2864269 (VCV002864269.3), dbSNP rs2470034195, ClinGen allele CA2577504561.
Genomic context (GRCh38, chr3:10,085,827, plus strand): 5'-GTTTTCCAGAAACTAAGCTAACCCCTCTTACCTTGACTTCCTTAGGAGTGGATTTTCTCA[AC>A]CTGAAAATCAGAATTTACTGTATTCAGCCCTCCATGTCCTTAGTAGCCGACTGAAACAGG-3'

ClinVar aggregate classification (germline): Pathogenic (1 of 4 stars; one submission).

Conditions:
Fanconi anemia (FA). Also called: Fanconi's anemia. Identifiers: Orphanet 84, MedGen C0015625, MeSH D005199, MONDO:0019391.

Submission:

Labcorp Genetics (formerly Invitae), Labcorp
Classification: Pathogenic for Fanconi anemia. Last evaluated: 2023-11-17. Review status: criteria provided, single submitter. Criteria: Invitae Variant Classification Sherloc (09022015). Collection method: clinical testing. Allele origin: germline.
Comment: This sequence change creates a premature translational stop signal (p.Pro1081Leufs*18) in the FANCD2 gene. It is expected to result in an absent or disrupted protein product. Loss-of-function variants in FANCD2 are known to be pathogenic (PMID: 17436244). This variant is not present in population databases (gnomAD no frequency). This variant has not been reported in the literature in individuals affected with FANCD2-related conditions. For these reasons, this variant has been classified as Pathogenic.

Literature cited by the submitters: PubMed 17436244.